The following is an entry in ClinVar:

NM_000435.3(NOTCH3):c.743G>C (p.Gly248Ala)

Gene: NOTCH3 (notch receptor 3; minus strand). Cytogenetic location: 19p13.12.
Variant type: single nucleotide variant.
Coding change: c.743G>C on transcript NM_000435.3 (MANE Select); coding-DNA position 743, G replaced by C.
Protein change: p.Gly248Ala; replaces glycine 248 with alanine.
Molecular consequence: missense variant.
Genome position (GRCh38, 1-based): chr19:15,191,804, C>G on the plus strand (G>C on the coding strand, the complement: NOTCH3 is on the minus strand). VCF-style: chr19-15191804-C-G. GRCh37 (hg19) VCF-style: chr19-15302615-C-G.
Other names: short protein forms G248A.
Identifiers: ClinVar variation 804652 (VCV000804652.8), dbSNP rs141402160, ClinGen allele CA9263799.

ClinVar aggregate classification (germline): Conflicting classifications of pathogenicity. Review status: criteria provided, conflicting classifications (1 of 4 stars). 6 submissions from 6 submitters: Uncertain significance (5); Likely benign (1). Last evaluated 2026-09-01.

Allele frequency attached by ClinVar (database versions not stated): gnomAD exomes 0.00005; ExAC 0.00006; TOPMed 0.00006; 1000 Genomes Project 0.00020; 1000 Genomes Project 30x 0.00031.
gnomAD v4.1: 280 of 1,613,984 alleles (0.017%); highest among the groups gnomAD compares: Non-Finnish European, 0.023%; no homozygotes.

Submissions (6):

CeGaT Center for Human Genetics Tuebingen
Classification: Uncertain significance. Last evaluated: 2026-09-01. Review status: criteria provided, single submitter. Criteria: CeGaT Center For Human Genetics Tuebingen Variant Classification Criteria Version 2. Collection method: clinical testing. Allele origin: germline. Affected: yes. Observed: 1 variant allele.
Comment: NOTCH3: PM2

GeneDx
Classification: Uncertain significance. Last evaluated: 2026-02-12. Review status: criteria provided, single submitter. Criteria: GeneDx Variant Classification Process June 2021. Collection method: clinical testing. Allele origin: germline.
Comment: Identified with a second NOTCH3 variant in two cousins with Alzheimer Disease, but it is not known whether the variants occurred on the same (in cis) or on different (in trans) chromosomes (PMID: 30924900); In silico analysis supports that this missense variant has a deleterious effect on protein structure/function; This variant is associated with the following publications: (PMID: 34151536, 30924900)

Women's Health and Genetics/Laboratory Corporation of America, LabCorp
Classification: Uncertain significance. Last evaluated: 2025-07-09. Review status: criteria provided, single submitter. Criteria: LabCorp Variant Classification Summary - May 2015. Collection method: clinical testing. Allele origin: germline.
Comment: Variant summary: NOTCH3 c.743G>C (p.Gly248Ala) results in a non-conservative amino acid change in the encoded protein sequence. Algorithms developed to predict the effect of missense changes on protein structure and function all suggest that this variant is likely to be disruptive. The variant allele was found at a frequency of 5.2e-05 in 250558 control chromosomes. This frequency is not significantly higher than estimated for a pathogenic variant in NOTCH3 causing Cerebral arteriopathy, autosomal dominant, with subcortical infarcts and leukoencephalopathy, type 1 (5.2e-05 vs 6.3e-05), allowing no conclusion about variant significance. c.743G>C has been observed in individual(s) affected with Alzheimer's disease (Patel_2019). These report(s) do not provide unequivocal conclusions about association of the variant with Cerebral arteriopathy, autosomal dominant, with subcortical infarcts and leukoencephalopathy, type 1. To our knowledge, no experimental evidence demonstrating an impact on protein function has been reported. The following publication have been ascertained in the context of this evaluation (PMID: 30924900). ClinVar contains an entry for this variant (Variation ID: 804652). Based on the evidence outlined above, the variant was classified as uncertain significance.

Labcorp Genetics (formerly Invitae), Labcorp
Classification: Uncertain significance. Last evaluated: 2024-10-03. Review status: criteria provided, single submitter. Criteria: Invitae Variant Classification Sherloc (09022015). Collection method: clinical testing. Allele origin: germline.
Comment: This sequence change replaces glycine, which is neutral and non-polar, with alanine, which is neutral and non-polar, at codon 248 of the NOTCH3 protein (p.Gly248Ala). This variant is present in population databases (rs141402160, gnomAD 0.009%). This missense change has been observed in individual(s) with Alzheimer disease (PMID: 30924900). ClinVar contains an entry for this variant (Variation ID: 804652). Invitae Evidence Modeling of protein sequence and biophysical properties (such as structural, functional, and spatial information, amino acid conservation, physicochemical variation, residue mobility, and thermodynamic stability) has been performed for this missense variant. However, the output from this modeling did not meet the statistical confidence thresholds required to predict the impact of this variant on NOTCH3 protein function. In summary, the available evidence is currently insufficient to determine the role of this variant in disease. Therefore, it has been classified as a Variant of Uncertain Significance.

Blueprint Genetics
Classification: Likely benign. Last evaluated: 2024-03-14. Review status: criteria provided, single submitter. Criteria: ACMG Guidelines, 2015. Collection method: clinical testing. Allele origin: germline.

Athena Diagnostics
Classification: Uncertain significance. Last evaluated: 2019-04-03. Review status: criteria provided, single submitter. Criteria: Athena Diagnostics Criteria. Collection method: clinical testing. Allele origin: germline.

Literature cited by the submitters: PubMed 30924900 (cited by 3 submitters).